The following is an entry in ClinVar:

NM_013266.4(CTNNA3):c.1628G>A (p.Arg543Gln)

Gene: CTNNA3 (catenin alpha 3; minus strand). Cytogenetic location: 10q21.3.
Variant type: single nucleotide variant.
Coding change: c.1628G>A on transcript NM_013266.4 (MANE Select); coding-DNA position 1628, G replaced by A.
Protein change: p.Arg543Gln; replaces arginine 543 with glutamine.
Molecular consequence: missense variant.
Genome position (GRCh38, 1-based): chr10:66,379,256, C>T on the plus strand (G>A on the coding strand, the complement: CTNNA3 is on the minus strand). VCF-style: chr10-66379256-C-T. GRCh37 (hg19) VCF-style: chr10-68139014-C-T.
Other names: c.1628G>A, p.Arg543Gln (NM_001127384.3); short protein forms R543Q.
Identifiers: ClinVar variation 843616 (VCV000843616.12), dbSNP rs369033938, ClinGen allele CA5519877.

ClinVar aggregate classification (germline): Uncertain significance. Review status: criteria provided, multiple submitters, no conflicts (2 of 4 stars). 4 submissions from 4 submitters: Uncertain significance (2). 2 of the submissions do not count toward it. Last evaluated 2025-08-06.

Conditions:
Arrhythmogenic right ventricular dysplasia 13. Also called: Arrhythmogenic right ventricular dysplasia, familial, 13; ARRHYTHMOGENIC RIGHT VENTRICULAR CARDIOMYOPATHY 13. Identifiers: MedGen C3810138, MONDO:0000908, OMIM 615616.

Allele frequency attached by ClinVar (database versions not stated): gnomAD exomes 0.00003 and 0.00006; TOPMed 0.00009; gnomAD 0.00010 and 0.00011; ExAC 0.00011; ESP Exome Variant Server 0.00023.
gnomAD v4.1: 60 of 1,613,998 alleles (0.0037%); highest among the groups gnomAD compares: African/African-American, 0.016%; no homozygotes.

Submissions (4):

Labcorp Genetics (formerly Invitae), Labcorp
Classification: Uncertain significance for Arrhythmogenic right ventricular dysplasia 13. Last evaluated: 2025-08-06. Review status: criteria provided, single submitter. Criteria: Invitae Variant Classification Sherloc (09022015). Collection method: clinical testing. Allele origin: germline.
Comment: This sequence change replaces arginine, which is basic and polar, with glutamine, which is neutral and polar, at codon 543 of the CTNNA3 protein (p.Arg543Gln). This variant is present in population databases (rs369033938, gnomAD 0.03%). This variant has not been reported in the literature in individuals affected with CTNNA3-related conditions. ClinVar contains an entry for this variant (Variation ID: 843616). Invitae Evidence Modeling of protein sequence and biophysical properties (such as structural, functional, and spatial information, amino acid conservation, physicochemical variation, residue mobility, and thermodynamic stability) has been performed for this missense variant. However, the output from this modeling did not meet the statistical confidence thresholds required to predict the impact of this variant on CTNNA3 protein function. In summary, the available evidence is currently insufficient to determine the role of this variant in disease. Therefore, it has been classified as a Variant of Uncertain Significance.

Fulgent Genetics
Classification: Uncertain significance for Arrhythmogenic right ventricular dysplasia 13. Last evaluated: 2022-05-11. Review status: criteria provided, single submitter. Criteria: ACMG Guidelines, 2015. Collection method: clinical testing. Allele origin: unknown.

Clinical Genetics, Academic Medical Center
Classification: Uncertain significance. Review status: no assertion criteria provided. Collection method: clinical testing. Allele origin: germline. Affected: yes. Study: VKGL Data-share Consensus. Not counted in ClinVar's aggregate classification.

Genome Diagnostics Laboratory, University Medical Center Utrecht
Classification: Uncertain significance. Review status: no assertion criteria provided. Collection method: clinical testing. Allele origin: germline. Affected: yes. Study: VKGL Data-share Consensus. Not counted in ClinVar's aggregate classification.